The following is an entry in ClinVar:

NM_001378418.1(TCF20):c.2704C>T (p.Pro902Ser)

Gene: TCF20 (transcription factor 20; minus strand). Cytogenetic location: 22q13.2.
Variant type: single nucleotide variant.
Coding change: c.2704C>T on transcript NM_001378418.1 (MANE Select); coding-DNA position 2704, C replaced by T.
Protein change: p.Pro902Ser; replaces proline 902 with serine.
Molecular consequence: missense variant.
Genome position (GRCh38, 1-based): chr22:42,212,602, G>A on the plus strand (C>T on the coding strand, the complement: TCF20 is on the minus strand). VCF-style: chr22-42212602-G-A. GRCh37 (hg19) VCF-style: chr22-42608608-G-A.
Other names: c.2704C>T, p.Pro902Ser (NM_005650.4, NM_181492.3); short protein forms P902S.
Identifiers: ClinVar variation 2575581 (VCV002575581.3), dbSNP rs2518223642, ClinGen allele CA411788074.

ClinVar aggregate classification (germline): Uncertain significance. Review status: criteria provided, multiple submitters, no conflicts (2 of 4 stars). 2 submissions from 2 submitters: Uncertain significance (2). Last evaluated 2024-12-07.

gnomAD v4.1: 2 of 1,614,190 alleles (0.00012%); highest among the groups gnomAD compares: Non-Finnish European, 0.00017%; no homozygotes.

Submissions (2):

Labcorp Genetics (formerly Invitae), Labcorp
Classification: Uncertain significance. Last evaluated: 2024-12-07. Review status: criteria provided, single submitter. Criteria: Invitae Variant Classification Sherloc (09022015). Collection method: clinical testing. Allele origin: germline.
Comment: This sequence change replaces proline, which is neutral and non-polar, with serine, which is neutral and polar, at codon 902 of the TCF20 protein (p.Pro902Ser). This variant is not present in population databases (gnomAD no frequency). This variant has not been reported in the literature in individuals affected with TCF20-related conditions. ClinVar contains an entry for this variant (Variation ID: 2575581). An algorithm developed to predict the effect of missense changes on protein structure and function (PolyPhen-2) suggests that this variant is likely to be tolerated. In summary, the available evidence is currently insufficient to determine the role of this variant in disease. Therefore, it has been classified as a Variant of Uncertain Significance.

GeneDx
Classification: Uncertain significance. Last evaluated: 2023-02-09. Review status: criteria provided, single submitter. Criteria: GeneDx Variant Classification Process June 2021. Collection method: clinical testing. Allele origin: germline. Affected: yes.
Comment: Not observed at significant frequency in large population cohorts (gnomAD); In silico analysis supports that this missense variant does not alter protein structure/function; Has not been previously published as pathogenic or benign to our knowledge